The following is an entry in ClinVar:

NM_001379200.1(TBX1):c.318C>G (p.Ala106=)

Gene: TBX1 (T-box transcription factor 1; plus strand). Cytogenetic location: 22q11.21.
Variant type: single nucleotide variant.
Coding change: c.318C>G on transcript NM_001379200.1 (MANE Select); coding-DNA position 318, C replaced by G.
Protein change: p.Ala106=; no amino-acid change (alanine 106 retained).
Molecular consequence: synonymous variant.
Genome position (GRCh38, 1-based): chr22:19,761,161, C>G. VCF-style: chr22-19761161-C-G. GRCh37 (hg19) VCF-style: chr22-19748684-C-G.
Other names: c.291C>G, p.Ala97= (NM_005992.1, NM_080646.2, NM_080647.1).
Identifiers: ClinVar variation 1132765 (VCV001132765.11), dbSNP rs767905417, ClinGen allele CA10102392.

ClinVar aggregate classification (germline): Conflicting classifications of pathogenicity. Review status: criteria provided, conflicting classifications (1 of 4 stars). 3 submissions from 3 submitters: Uncertain significance (1); Likely benign (2). Last evaluated 2026-09-01.

Conditions:
DiGeorge syndrome. Also called: THIRD AND FOURTH PHARYNGEAL POUCH SYNDROME; Catch22. Identifiers: Orphanet 567, MedGen C0012236, MONDO:0008564, OMIM 188400.

Allele frequency attached by ClinVar (database versions not stated): gnomAD 0.00001; gnomAD exomes 0.00001 and 0.00002; TOPMed 0.00001; ExAC 0.00003.
gnomAD v4.1: 4 of 1,515,316 alleles (0.00026%); highest among the groups gnomAD compares: Admixed American, 0.0078%; no homozygotes.

Submissions (3):

CeGaT Center for Human Genetics Tuebingen
Classification: Likely benign. Last evaluated: 2026-09-01. Review status: criteria provided, single submitter. Criteria: CeGaT Center For Human Genetics Tuebingen Variant Classification Criteria Version 2. Collection method: clinical testing. Allele origin: germline. Affected: yes. Observed: 1 variant allele.
Comment: TBX1: BP4, BP7

Labcorp Genetics (formerly Invitae), Labcorp
Classification: Likely benign for DiGeorge syndrome. Last evaluated: 2025-07-31. Review status: criteria provided, single submitter. Criteria: Invitae Variant Classification Sherloc (09022015). Collection method: clinical testing. Allele origin: germline.

GeneDx
Classification: Uncertain significance. Last evaluated: 2020-01-13. Review status: criteria provided, single submitter. Criteria: GeneDx Variant Classification Process June 2021. Collection method: clinical testing. Allele origin: germline. Affected: yes.
Comment: In silico analysis, which includes splice predictors and evolutionary conservation, supports that this variant does not alter protein structure/function; Has not been previously published as pathogenic or benign to our knowledge